The following is an entry in ClinVar:

NM_001018115.3(FANCD2):c.950A>G (p.Gln317Arg)

Genes: FANCD2 (FA complementation group D2; plus strand), LOC107303338 (3p25 FANCD2 Alu-mediated recombination region; plus strand). Cytogenetic location: 3p25.3.
Variant type: single nucleotide variant.
Coding change: c.950A>G on transcript NM_001018115.3 (MANE Select); coding-DNA position 950, A replaced by G.
Protein change: p.Gln317Arg; replaces glutamine 317 with arginine.
Molecular consequence: missense variant.
Genome position (GRCh38, 1-based): chr3:10,043,111, A>G. VCF-style: chr3-10043111-A-G. GRCh37 (hg19) VCF-style: chr3-10084795-A-G.
Other names: c.950A>G, p.Gln317Arg (NM_001374254.1, NM_033084.6, NM_001319984.2 and 1 more transcripts); short protein forms Q317R.
Identifiers: ClinVar variation 2877667 (VCV002877667.3), dbSNP rs2470756137, ClinGen allele CA351729951.

ClinVar aggregate classification (germline): Uncertain significance (1 of 4 stars; one submission).

Conditions:
Fanconi anemia (FA). Also called: Fanconi's anemia. Identifiers: Orphanet 84, MedGen C0015625, MeSH D005199, MONDO:0019391.

Allele frequency attached by ClinVar (database versions not stated): gnomAD exomes below 0.00001.
gnomAD v4.1: 1 of 1,614,136 alleles (0.000062%); highest among the groups gnomAD compares: South Asian, 0.0011%; no homozygotes.

Submission:

Labcorp Genetics (formerly Invitae), Labcorp
Classification: Uncertain significance for Fanconi anemia. Last evaluated: 2023-10-14. Review status: criteria provided, single submitter. Criteria: Invitae Variant Classification Sherloc (09022015). Collection method: clinical testing. Allele origin: germline.
Comment: This sequence change replaces glutamine, which is neutral and polar, with arginine, which is basic and polar, at codon 317 of the FANCD2 protein (p.Gln317Arg). This variant is not present in population databases (gnomAD no frequency). This variant has not been reported in the literature in individuals affected with FANCD2-related conditions. An algorithm developed to predict the effect of missense changes on protein structure and function (PolyPhen-2) suggests that this variant is likely to be tolerated. In summary, the available evidence is currently insufficient to determine the role of this variant in disease. Therefore, it has been classified as a Variant of Uncertain Significance.